The following is an entry in ClinVar:

ClinVar aggregate classification (germline): Uncertain significance. Review status: criteria provided, multiple submitters, no conflicts (2 of 4 stars). 2 submissions from 2 submitters: Uncertain significance (2). Last evaluated 2024-10-07.

Conditions:
KBG syndrome (KBGS). Also called: ANKRD11-Related KBG Syndrome. Identifiers: Orphanet 2332, MedGen C0220687, MONDO:0007846, OMIM 148050.
Inborn genetic diseases. Identifiers: MedGen C0950123, MeSH D030342.

Allele frequency attached by ClinVar (database versions not stated): ExAC 0.00001; gnomAD 0.00001; TOPMed 0.00002; gnomAD exomes 0.00005.
gnomAD v4.1: 67 of 1,614,010 alleles (0.0042%); highest among the groups gnomAD compares: Non-Finnish European, 0.0055%; no homozygotes.

Submissions (2):

Ambry Genetics
Classification: Uncertain significance for Inborn genetic diseases. Last evaluated: 2024-10-07. Review status: criteria provided, single submitter. Criteria: Ambry Variant Classification Scheme 2023. Collection method: clinical testing. Allele origin: germline.

Labcorp Genetics (formerly Invitae), Labcorp
Classification: Uncertain significance for KBG syndrome. Last evaluated: 2024-04-02. Review status: criteria provided, single submitter. Criteria: Invitae Variant Classification Sherloc (09022015). Collection method: clinical testing. Allele origin: germline.
Comment: This sequence change replaces lysine, which is basic and polar, with arginine, which is basic and polar, at codon 1473 of the ANKRD11 protein (p.Lys1473Arg). This variant is present in population databases (rs748649276, gnomAD 0.004%). This variant has not been reported in the literature in individuals affected with ANKRD11-related conditions. ClinVar contains an entry for this variant (Variation ID: 2393329). Advanced modeling of protein sequence and biophysical properties (such as structural, functional, and spatial information, amino acid conservation, physicochemical variation, residue mobility, and thermodynamic stability) performed at Invitae indicates that this missense variant is not expected to disrupt ANKRD11 protein function with a negative predictive value of 95%. In summary, the available evidence is currently insufficient to determine the role of this variant in disease. Therefore, it has been classified as a Variant of Uncertain Significance.

NM_013275.6(ANKRD11):c.4418A>G (p.Lys1473Arg)

Gene: ANKRD11 (ankyrin repeat domain 11; minus strand). Cytogenetic location: 16q24.3.
Variant type: single nucleotide variant.
Coding change: c.4418A>G on transcript NM_013275.6 (MANE Select); coding-DNA position 4418, A replaced by G.
Protein change: p.Lys1473Arg; replaces lysine 1473 with arginine.
Molecular consequence: missense variant.
Genome position (GRCh38, 1-based): chr16:89,282,124, T>C on the plus strand (A>G on the coding strand, the complement: ANKRD11 is on the minus strand). VCF-style: chr16-89282124-T-C. GRCh37 (hg19) VCF-style: chr16-89348532-T-C.
Other names: c.4418A>G, p.Lys1473Arg (NM_001256182.2, NM_001256183.2); short protein forms K1473R.
Identifiers: ClinVar variation 2393329 (VCV002393329.5), dbSNP rs748649276, ClinGen allele CA8242125.